The following is an entry in ClinVar:

NM_018699.4(PRDM5):c.178G>T (p.Val60Phe)

Gene: PRDM5 (PR/SET domain 5; minus strand). Cytogenetic location: 4q27.
Variant type: single nucleotide variant.
Coding change: c.178G>T on transcript NM_018699.4 (MANE Select); coding-DNA position 178, G replaced by T.
Protein change: p.Val60Phe; replaces valine 60 with phenylalanine.
Molecular consequence: missense variant.
Genome position (GRCh38, 1-based): chr4:120,853,540, C>A on the plus strand (G>T on the coding strand, the complement: PRDM5 is on the minus strand). VCF-style: chr4-120853540-C-A. GRCh37 (hg19) VCF-style: chr4-121774695-C-A.
Other names: c.178G>T, p.Val60Phe (NM_001300824.2, NM_001379104.1, NM_001379106.1 and 1 more transcripts); short protein forms V60F.
Identifiers: ClinVar variation 3723469 (VCV003723469.2).

ClinVar aggregate classification (germline): Uncertain significance (1 of 4 stars; one submission).

Submission:

Labcorp Genetics (formerly Invitae), Labcorp
Classification: Uncertain significance. Last evaluated: 2024-10-21. Review status: criteria provided, single submitter. Criteria: Invitae Variant Classification Sherloc (09022015). Collection method: clinical testing. Allele origin: germline.
Comment: This sequence change replaces valine, which is neutral and non-polar, with phenylalanine, which is neutral and non-polar, at codon 60 of the PRDM5 protein (p.Val60Phe). This variant is not present in population databases (gnomAD no frequency). This variant has not been reported in the literature in individuals affected with PRDM5-related conditions. An algorithm developed to predict the effect of missense changes on protein structure and function (PolyPhen-2) suggests that this variant is likely to be disruptive. Algorithms developed to predict the effect of sequence changes on RNA splicing suggest that this variant may create or strengthen a splice site. In summary, the available evidence is currently insufficient to determine the role of this variant in disease. Therefore, it has been classified as a Variant of Uncertain Significance.